The following is an entry in ClinVar:

NM_016333.4(SRRM2):c.5536C>G (p.Pro1846Ala)

Gene: SRRM2 (serine/arginine repetitive matrix 2; plus strand). Cytogenetic location: 16p13.3.
Variant type: single nucleotide variant.
Coding change: c.5536C>G on transcript NM_016333.4 (MANE Select); coding-DNA position 5536, C replaced by G.
Protein change: p.Pro1846Ala; replaces proline 1846 with alanine.
Molecular consequence: missense variant.
Genome position (GRCh38, 1-based): chr16:2,766,064, C>G. VCF-style: chr16-2766064-C-G. GRCh37 (hg19) VCF-style: chr16-2816065-C-G.
Other names: short protein forms P1846A.
Identifiers: ClinVar variation 4847854 (VCV004847854.1).

ClinVar aggregate classification (germline): Uncertain significance (1 of 4 stars; one submission).

gnomAD v4.1: 2 of 1,614,174 alleles (0.00012%); highest among the groups gnomAD compares: Non-Finnish European, 0.00017%; no homozygotes.

Submission:

Women's Health and Genetics/Laboratory Corporation of America, LabCorp
Classification: Uncertain significance. Last evaluated: 2026-02-13. Review status: criteria provided, single submitter. Criteria: LabCorp Variant Classification Summary - May 2015. Collection method: clinical testing. Allele origin: germline.
Comment: Variant summary: SRRM2 c.5536C>G (p.Pro1846Ala) results in a non-conservative amino acid change in the encoded protein sequence. Algorithms developed to predict the effect of missense changes on protein structure and function are either unavailable or do not agree on the potential impact of this missense change. The variant was absent in 251310 control chromosomes. The available data on variant occurrences in the general population are insufficient to allow any conclusion about variant significance. To our knowledge, no occurrence of c.5536C>G in individuals affected with SRRM2-related conditions and no experimental evidence demonstrating its impact on protein function have been reported. No submitters have cited clinical-significance assessments for this variant to ClinVar. Based on the evidence outlined above, the variant was classified as uncertain significance.